The following is an entry in ClinVar:

NM_000112.4(SLC26A2):c.2124_2125dup (p.Phe709fs)

Gene: SLC26A2 (solute carrier family 26 member 2; plus strand). Cytogenetic location: 5q32.
Variant type: Microsatellite.
Coding change: c.2124_2125dup on transcript NM_000112.4 (MANE Select); coding-DNA positions 2124 to 2125, 2 bases duplicated (CT; older notation c.2124_2125dupCT).
Protein change: p.Phe709fs; shifts the reading frame from phenylalanine 709.
Molecular consequence: frameshift variant.
Genome position (GRCh38, 1-based): chr5:149,981,717-149,981,718, CT duplicated; duplicating any 2 consecutive bases within chr5:149,981,714-149,981,718 gives the same sequence; the c. name uses the placement nearest the transcript's 3' end. VCF-style (leftmost placement, unchanged base first): chr5-149981713-T-TTC. GRCh37 (hg19) VCF-style: chr5-149361276-T-TTC.
Other names: c.2124_2125dup (NM_000112.3); short protein forms F709fs.
Identifiers: ClinVar variation 436750 (VCV000436750.15), dbSNP rs1554095433, ClinGen allele CA563955745.

ClinVar aggregate classification (germline): Pathogenic/Likely pathogenic. Review status: criteria provided, multiple submitters, no conflicts (2 of 4 stars). 5 submissions from 5 submitters: Pathogenic (1); Likely pathogenic (4). Last evaluated 2025-12-12.

Conditions:
SLC26A2-related skeletal dysplasia. Identifiers: MedGen CN379209, MONDO:0100592.
Atelosteogenesis type II (AO2). Also called: Neonatal osseous dysplasia 1; SLC26A2-Related Atelosteogenesis; NEONATAL OSSEOUS DYSPLASIA I. Identifiers: Orphanet 56304, MedGen C1850554, MONDO:0009727, OMIM 256050.
Achondrogenesis, type IB (ACG1B). Also called: Achondrogenesis Type 1B. Identifiers: Orphanet 932, Orphanet 93298, MedGen C0265274, MONDO:0010966, OMIM 600972.
Diastrophic dysplasia (DTD). Also called: Diastrophic dwarfism. Identifiers: Orphanet 628, MedGen C0220726, MONDO:0009107, OMIM 222600.
Multiple epiphyseal dysplasia type 4 (EDM4). Also called: Multiple Epiphyseal Dysplasia, Recessive; SLC26A2-Related Multiple Epiphyseal Dysplasia; MULTIPLE EPIPHYSEAL DYSPLASIA WITH BILAYERED PATELLAE; MULTIPLE EPIPHYSEAL DYSPLASIA WITH CLUBFOOT; MULTIPLE EPIPHYSEAL DYSPLASIA, AUTOSOMAL RECESSIVE. Identifiers: Orphanet 93307, MedGen C1847593, MONDO:0009189, OMIM 226900.
Sulfate transporter-related osteochondrodysplasia. Also called: DTDST-related dysplasias. Identifiers: MedGen CN120497. Disease mechanism: loss of function.

Submissions (5):

Myriad Genetics, Inc.
Classification: Likely pathogenic for SLC26A2-related skeletal dysplasia. Last evaluated: 2025-12-12. Review status: criteria provided, single submitter. Criteria: Myriad Autosomal Dominant, Autosomal Recessive and X-Linked Classification Criteria (2023). Collection method: clinical testing. Allele origin: unknown.
Comment: NM_000112.3(SLC26A2):c.2124_2125dupCT(F709Sfs*27) is a frameshift variant classified as likely pathogenic in the context of SLC26A2-related disorders. F709Sfs*27 has been observed in cases with relevant disease (Yamamoto_2017_(thesis), Baratela_2017_(Thesis)). Relevant functional assessments of this variant are not available in the literature. F709Sfs*27 has been observed in referenced population frequency databases. In summary, NM_000112.3(SLC26A2):c.2124_2125dupCT(F709Sfs*27) is a frameshift variant that has internal structural support for pathogenicity and has been observed more frequently in cases with the relevant disease than in healthy populations. Please note: this variant was assessed in the context of healthy population screening.

Labcorp Genetics (formerly Invitae), Labcorp
Classification: Pathogenic for Atelosteogenesis type II; Multiple epiphyseal dysplasia type 4; Achondrogenesis, type IB; Diastrophic dysplasia. Last evaluated: 2025-11-28. Review status: criteria provided, single submitter. Criteria: Invitae Variant Classification Sherloc (09022015). Collection method: clinical testing. Allele origin: germline.
Comment: This sequence change creates a premature translational stop signal (p.Phe709Serfs*27) in the SLC26A2 gene. While this is not anticipated to result in nonsense mediated decay, it is expected to disrupt the last 31 amino acid(s) of the SLC26A2 protein. This variant is present in population databases (no rsID available, gnomAD 0.006%). This variant has not been reported in the literature in individuals affected with SLC26A2-related conditions. ClinVar contains an entry for this variant (Variation ID: 436750). This variant disrupts a region of the SLC26A2 protein in which other variant(s) (p.Ala715Val) have been determined to be pathogenic (PMID: 8571951, 11448940, 15294877, 21077204, 21922596). This suggests that this is a clinically significant region of the protein, and that variants that disrupt it are likely to be disease-causing. For these reasons, this variant has been classified as Pathogenic.

Natera, Inc.
Classification: Likely pathogenic for Achondrogenesis type IB. Last evaluated: 2024-06-27. Review status: criteria provided, single submitter. Criteria: Natera Variant Classification Schema (03/2026). Collection method: clinical testing. Allele origin: germline.
Comment: The c.2124_2125dupCT variant in SLC26A2 is a frameshift variant predicted to shift the reading frame beginning at codon 709 and leads to a stop codon 27 codons downstream. This variant is expected to result in nonsense mediated decay, truncation, or a dysfunctional protein product. This variant is rare in the general population with a frequency below the threshold expected for the associated phenotype(s). Given the available evidence, this variant is classified as Likely Pathogenic.

Women's Health and Genetics/Laboratory Corporation of America, LabCorp
Classification: Likely pathogenic for Osteochondrodysplasia. Last evaluated: 2021-10-12. Review status: criteria provided, single submitter. Criteria: LabCorp Variant Classification Summary - May 2015. Collection method: clinical testing. Allele origin: germline.
Comment: Variant summary: SLC26A2 c.2124_2125dupCT (p.Phe709SerfsX27) results in a premature termination codon, predicted to cause a truncation of the encoded protein. This premature termination is positioned 3 codons away from the last amino acid in the protein (i.e. aa 739). A different variant causing premature termination at the same codon as this variant (i.e. c.2119_2120dupCT, p.Leu708PhefsX28) has been reported in a patient affected with diastrophic dysplasia (PMID: 11241838). The variant allele was found at a frequency of 8.1e-06 in 248236 control chromosomes (gnomAD). To our knowledge, no occurrence of c.2124_2125dupCT in individuals affected with Sulfate Transporter-Related Osteochondrodysplasia and no experimental evidence demonstrating its impact on protein function have been reported. A ClinVar submitter (evaluation after 2014) cites the variant as likely pathogenic. Based on the evidence outlined above, the variant was classified as likely pathogenic.

Genetic Services Laboratory, University of Chicago
Classification: Likely pathogenic. Last evaluated: 2016-06-16. Review status: criteria provided, single submitter. Criteria: ACMG Guidelines, 2015. Collection method: clinical testing. Allele origin: germline. Affected: yes.

Literature cited by the submitters: PubMed 8571951 (cited by Labcorp Genetics (formerly Invitae), Labcorp); PubMed 11448940 (cited by Labcorp Genetics (formerly Invitae), Labcorp); PubMed 15294877 (cited by Labcorp Genetics (formerly Invitae), Labcorp); PubMed 21077204 (cited by Labcorp Genetics (formerly Invitae), Labcorp); PubMed 21922596 (cited by Labcorp Genetics (formerly Invitae), Labcorp); PubMed 31589614 (cited by Women's Health and Genetics/Laboratory Corporation of America, LabCorp).